The following is an entry in ClinVar:

ClinVar aggregate classification (germline): Conflicting classifications of pathogenicity. Review status: criteria provided, conflicting classifications (1 of 4 stars). 2 submissions from 2 submitters: Uncertain significance (1); Likely benign (1). Last evaluated 2025-02-16.

Conditions:
Nance-Horan syndrome (NHS). Identifiers: Orphanet 627, MedGen C0796085, MONDO:0010545, OMIM 302350.

Allele frequency attached by ClinVar (database versions not stated): gnomAD exomes 0.00001; gnomAD 0.00002.
gnomAD v4.1: 8 of 1,210,095 alleles (0.00066%); highest among the groups gnomAD compares: South Asian, 0.0035%; no homozygotes.

Submissions (2):

Laboratory of Genetics, Children's Clinical University Hospital Latvia
Classification: Likely benign. Last evaluated: 2025-02-16. Review status: criteria provided, single submitter. Criteria: ACMG Guidelines, 2015. Collection method: clinical testing. Allele origin: germline. Affected: yes.

Labcorp Genetics (formerly Invitae), Labcorp
Classification: Uncertain significance for Nance-Horan syndrome. Last evaluated: 2023-06-05. Review status: criteria provided, single submitter. Criteria: Invitae Variant Classification Sherloc (09022015). Collection method: clinical testing. Allele origin: germline.
Comment: This sequence change replaces asparagine, which is neutral and polar, with serine, which is neutral and polar, at codon 884 of the NHS protein (p.Asn884Ser). This variant is present in population databases (no rsID available, gnomAD 0.009%), including at least one homozygous and/or hemizygous individual. In summary, the available evidence is currently insufficient to determine the role of this variant in disease. Therefore, it has been classified as a Variant of Uncertain Significance. Advanced modeling of protein sequence and biophysical properties (such as structural, functional, and spatial information, amino acid conservation, physicochemical variation, residue mobility, and thermodynamic stability) performed at Invitae indicates that this missense variant is not expected to disrupt NHS protein function. This variant has not been reported in the literature in individuals affected with NHS-related conditions.

NM_001291867.2(NHS):c.2714A>G (p.Asn905Ser)

Gene: NHS (NHS actin remodeling regulator; plus strand). Cytogenetic location: Xp22.13.
Variant type: single nucleotide variant.
Coding change: c.2714A>G on transcript NM_001291867.2 (MANE Select); coding-DNA position 2714, A replaced by G.
Protein change: p.Asn905Ser; replaces asparagine 905 with serine.
Molecular consequence: missense variant.
Genome position (GRCh38, 1-based): chrX:17,726,820, A>G. VCF-style: chrX-17726820-A-G. GRCh37 (hg19) VCF-style: chrX-17744940-A-G.
Other names: c.2183A>G, p.Asn728Ser (NM_001136024.4); c.2120A>G, p.Asn707Ser (NM_001291868.2); c.2651A>G, p.Asn884Ser (NM_198270.4); short protein forms N905S, N884S, N707S, N728S.
Identifiers: ClinVar variation 2985677 (VCV002985677.4), dbSNP rs1169366418, ClinGen allele CA412360087.